The following is an entry in ClinVar:

ClinVar aggregate classification (germline): Uncertain significance (1 of 4 stars; one submission).

Submission:

Dasa
Classification: Uncertain significance. Last evaluated: 2026-07-24. Review status: criteria provided, single submitter. Criteria: DASA Assertion Criteria. Collection method: clinical testing. Allele origin: germline.
Comment: NM_152263.4(TPM3):c.110G>T (p.Ser37Ile) is a missense variant that results in the substitution of serine with isoleucine. This variant is rare in population databases. The currently available literature and clinical evidence are not sufficient to establish a definitive association between this variant and the reported condition. Therefore, this variant is classified as a variant of uncertain significance.

NM_152263.4(TPM3):c.110G>T (p.Ser37Ile)

Gene: TPM3 (tropomyosin 3; minus strand). Cytogenetic location: 1q21.3.
Variant type: single nucleotide variant.
Coding change: c.110G>T on transcript NM_152263.4 (MANE Select); coding-DNA position 110, G replaced by T.
Protein change: p.Ser37Ile; replaces serine 37 with isoleucine.
Molecular consequence: missense variant. On other transcripts: non-coding transcript variant (1).
Genome position (GRCh38, 1-based): chr1:154,191,909, C>A on the plus strand (G>T on the coding strand, the complement: TPM3 is on the minus strand). VCF-style: chr1-154191909-C-A. GRCh37 (hg19) VCF-style: chr1-154164385-C-A.
Other names: c.110G>T, p.Ser37Ile (NM_001364679.2, NM_001364680.2, NM_001364681.2 and 1 more transcripts); short protein forms S37I.
Identifiers: ClinVar variation 5020138 (VCV005020138.1).
Genomic context (GRCh38, chr1:154,191,909, plus strand): 5'-CATTTCACAGTCTTGTTCACTAGCAGATGAGAGAGATCAATGCCAGTGCCTACCTGTTTA[C>A]TTCTTTCTTCTGCCTGCTTCTGCTCAGCTTCAGCTTGCTCTGCCCGATCCAGAGCATTCT-3'
Protein context (NP_689476.2, residues 27-47): EAEQKQAEER[Ser37Ile]KQLEDELAAM